The following is an entry in ClinVar:

ClinVar aggregate classification (germline): Uncertain significance. Review status: criteria provided, multiple submitters, no conflicts (2 of 4 stars). 2 submissions from 2 submitters: Uncertain significance (2). Last evaluated 2023-07-13.

Conditions:
Cataract-growth hormone deficiency-sensory neuropathy-sensorineural hearing loss-skeletal dysplasia syndrome. Also called: Cataracts, growth hormone deficiency, sensory neuropathy, sensorineural hearing loss, and skeletal dysplasia. Identifiers: Orphanet 436174, MedGen C4014942, MONDO:0014455, OMIM 616007.

Allele frequency attached by ClinVar (database versions not stated): gnomAD exomes below 0.00001; gnomAD 0.00001; TOPMed 0.00001.
gnomAD v4.1: 4 of 1,613,978 alleles (0.00025%); highest among the groups gnomAD compares: African/African-American, 0.0027%; no homozygotes.

Submissions (2):

Laboratorio de Genetica e Diagnostico Molecular, Hospital Israelita Albert Einstein
Classification: Uncertain significance for Cataract-growth hormone deficiency-sensory neuropathy-sensorineural hearing loss-skeletal dysplasia syndrome. Last evaluated: 2023-07-13. Review status: criteria provided, single submitter. Criteria: ACMG Guidelines, 2015. Collection method: clinical testing. Allele origin: germline. Affected: yes.
Comment: ACMG classification criteria: PM2 moderate

Labcorp Genetics (formerly Invitae), Labcorp
Classification: Uncertain significance. Last evaluated: 2022-04-10. Review status: criteria provided, single submitter. Criteria: Invitae Variant Classification Sherloc (09022015). Collection method: clinical testing. Allele origin: germline.
Comment: This sequence change replaces alanine, which is neutral and non-polar, with valine, which is neutral and non-polar, at codon 701 of the IARS2 protein (p.Ala701Val). This variant is not present in population databases (gnomAD no frequency). This variant has not been reported in the literature in individuals affected with IARS2-related conditions. Algorithms developed to predict the effect of missense changes on protein structure and function are either unavailable or do not agree on the potential impact of this missense change (SIFT: "Deleterious"; PolyPhen-2: "Probably Damaging"; Align-GVGD: "Class C0"). In summary, the available evidence is currently insufficient to determine the role of this variant in disease. Therefore, it has been classified as a Variant of Uncertain Significance.

NM_018060.4(IARS2):c.2102C>T (p.Ala701Val)

Gene: IARS2 (isoleucyl-tRNA synthetase 2, mitochondrial; plus strand). Cytogenetic location: 1q41.
Variant type: single nucleotide variant.
Coding change: c.2102C>T on transcript NM_018060.4 (MANE Select); coding-DNA position 2102, C replaced by T.
Protein change: p.Ala701Val; replaces alanine 701 with valine.
Molecular consequence: missense variant.
Genome position (GRCh38, 1-based): chr1:220,137,970, C>T. VCF-style: chr1-220137970-C-T. GRCh37 (hg19) VCF-style: chr1-220311312-C-T.
Other names: short protein forms A701V.
Identifiers: ClinVar variation 2083859 (VCV002083859.2), dbSNP rs1437017482, ClinGen allele CA344613428.